The following is an entry in ClinVar:

NM_001927.4(DES):c.365A>T (p.Tyr122Phe)

Gene: DES (desmin; plus strand). Cytogenetic location: 2q35.
Variant type: single nucleotide variant.
Coding change: c.365A>T on transcript NM_001927.4 (MANE Select); coding-DNA position 365, A replaced by T.
Protein change: p.Tyr122Phe; replaces tyrosine 122 with phenylalanine.
Molecular consequence: missense variant.
Genome position (GRCh38, 1-based): chr2:219,418,827, A>T. VCF-style: chr2-219418827-A-T. GRCh37 (hg19) VCF-style: chr2-220283549-A-T.
Other names: c.365A>T, p.Tyr122Phe (NM_001382708.1, NM_001382709.1, NM_001382710.1 and 3 more transcripts); short protein forms Y122F.
Identifiers: ClinVar variation 4790443 (VCV004790443.1).

ClinVar aggregate classification (germline): Uncertain significance (1 of 4 stars; one submission).

Conditions:
Desmin-related myofibrillar myopathy (MFM1). Also called: Desminopathy; Desmin related myopathy (former name); Desmin storage myopathy (former name); Myofibrillar myopathy 1; MYOFIBRILLAR MYOPATHY WITH ARRHYTHMOGENIC RIGHT VENTRICULAR CARDIOMYOPATHY; DESMIN-RELATED MYOPATHY WITH ARRHYTHMOGENIC RIGHT VENTRICULAR CARDIOMYOPATHY. Identifiers: Orphanet 363543, Orphanet 98909, MedGen C1832370, MONDO:0011076, OMIM 601419.

gnomAD v4.1: 3 of 1,581,716 alleles (0.00019%); highest among the groups gnomAD compares: Admixed American, 0.0055%; no homozygotes.

Submission:

Labcorp Genetics (formerly Invitae), Labcorp
Classification: Uncertain significance for Desmin-related myofibrillar myopathy. Last evaluated: 2025-02-03. Review status: criteria provided, single submitter. Criteria: Invitae Variant Classification Sherloc (09022015). Collection method: clinical testing. Allele origin: germline.
Comment: This sequence change replaces tyrosine, which is neutral and polar, with phenylalanine, which is neutral and non-polar, at codon 122 of the DES protein (p.Tyr122Phe). The frequency data for this variant in the population databases is considered unreliable, as metrics indicate poor data quality at this position in the gnomAD database. This variant has not been reported in the literature in individuals affected with DES-related conditions. Invitae Evidence Modeling of protein sequence and biophysical properties (such as structural, functional, and spatial information, amino acid conservation, physicochemical variation, residue mobility, and thermodynamic stability) has been performed for this missense variant. However, the output from this modeling did not meet the statistical confidence thresholds required to predict the impact of this variant on DES protein function. In summary, the available evidence is currently insufficient to determine the role of this variant in disease. Therefore, it has been classified as a Variant of Uncertain Significance.